The following is an entry in ClinVar:

NM_020191.4(MRPS22):c.571C>T (p.Arg191Ter)

Gene: MRPS22 (mitochondrial ribosomal protein S22; plus strand). Cytogenetic location: 3q23.
Variant type: single nucleotide variant.
Coding change: c.571C>T on transcript NM_020191.4 (MANE Select); coding-DNA position 571, C replaced by T.
Protein change: p.Arg191Ter; replaces arginine 191 with a stop codon.
Molecular consequence: nonsense.
Genome position (GRCh38, 1-based): chr3:139,350,245, C>T. VCF-style: chr3-139350245-C-T. GRCh37 (hg19) VCF-style: chr3-139069087-C-T.
Other names: c.448C>T, p.Arg150Ter (NM_001363857.1); c.568C>T, p.Arg190Ter (NM_001363893.1); short protein forms R150*, R190*, R191*.
Identifiers: ClinVar variation 1985689 (VCV001985689.3), dbSNP rs746881295, ClinGen allele CA2640755.

ClinVar aggregate classification (germline): Pathogenic (1 of 4 stars; one submission).

Allele frequency attached by ClinVar (database versions not stated): gnomAD exomes below 0.00001; ExAC 0.00001; gnomAD 0.00001; TOPMed 0.00002.
gnomAD v4.1: 9 of 1,613,842 alleles (0.00056%); highest among the groups gnomAD compares: African/African-American, 0.0053%; no homozygotes.

Submission:

Labcorp Genetics (formerly Invitae), Labcorp
Classification: Pathogenic. Last evaluated: 2025-01-06. Review status: criteria provided, single submitter. Criteria: Invitae Variant Classification Sherloc (09022015). Collection method: clinical testing. Allele origin: germline.
Comment: This sequence change creates a premature translational stop signal (p.Arg191*) in the MRPS22 gene. It is expected to result in an absent or disrupted protein product. Loss-of-function variants in MRPS22 are known to be pathogenic (PMID: 28425981, 29096039). This variant is present in population databases (rs746881295, gnomAD 0.02%). This variant has not been reported in the literature in individuals affected with MRPS22-related conditions. ClinVar contains an entry for this variant (Variation ID: 1985689). For these reasons, this variant has been classified as Pathogenic.

Literature cited by the submitters: PubMed 28425981; PubMed 29096039.